The following is an entry in ClinVar:

NM_000212.3(ITGB3):c.557C>T (p.Pro186Leu)

Gene: ITGB3 (integrin subunit beta 3; plus strand). Cytogenetic location: 17q21.32.
Variant type: single nucleotide variant.
Coding change: c.557C>T on transcript NM_000212.3 (MANE Select); coding-DNA position 557, C replaced by T.
Protein change: p.Pro186Leu; replaces proline 186 with leucine.
Molecular consequence: missense variant.
Genome position (GRCh38, 1-based): chr17:47,284,638, C>T. VCF-style: chr17-47284638-C-T. GRCh37 (hg19) VCF-style: chr17-45362004-C-T.
Other names: NM_000212.3(ITGB3):c.557C>T; p.Pro186Leu; short protein forms P186L.
Identifiers: ClinVar variation 696041 (VCV000696041.19), dbSNP rs61736876, ClinGen allele CA8622980.

ClinVar aggregate classification (germline): Likely benign. Review status: reviewed by expert panel (3 of 4 stars). 7 submissions from 7 submitters: Likely benign (1). 6 of the submissions do not count toward it. Last evaluated 2023-02-08.

Conditions:
Glanzmann thrombasthenia. Also called: THROMBASTHENIA OF GLANZMANN AND NAEGELI; Thrombasthenia; PLATELET GLYCOPROTEIN IIb-IIIa DEFICIENCY; Glanzmann's thrombasthenia. Identifiers: Orphanet 849, MedGen C0040015, MONDO:0100326.
ITGB3-related disorder. Also called: ITGB3-related condition.

Allele frequency attached by ClinVar (database versions not stated): TOPMed 0.00216; gnomAD 0.00221 and 0.00199; ESP Exome Variant Server 0.00254; gnomAD exomes 0.00055; ExAC 0.00075; 1000 Genomes Project 0.00100; 1000 Genomes Project 30x 0.00109.
gnomAD v4.1: 581 of 1,614,144 alleles (0.036%); highest among the groups gnomAD compares: African/African-American, 0.69%; 4 homozygotes.

Submissions (7):

ClinGen Platelet Disorders Variant Curation Expert Panel, ClinGen
Classification: Likely benign for Glanzmann thrombasthenia. Last evaluated: 2023-02-08. Review status: reviewed by expert panel. Criteria: ClinGen Platelet ACMG Specifications v2-1. Collection method: curation. Allele origin: germline. Inheritance: Autosomal recessive inheritance.
Comment: The c.557C>T variant in ITGB3 is a missense variant predicted to cause substitution of proline by leucine at amino acid 186. The variant has a high population minor allele frequency in gnomAD v2.1.1 of 0.007131 (178/24960) in the African/African American population, which is higher than the ClinGen PD VCEP threshold (>0.0024). The computational predictor REVEL gives a score of 0.733, which is above the ClinGen PD VCEP PP3 threshold of >0.7 and predicts a damaging effect on ITGB3 function. It is reported to have an association with lower platelet count in an African American cohorts (PMID: 23103231) but has not been reported in a Glanzmann thrombasthenia patient to our knowledge. In summary, this variant meets the criteria to be classified as a variant of unknown significance - conflicting evidence for autosomal recessive Glanzmann Thrombasthenia based on the ACMG/AMP criteria applied, as specified by the ClinGen PD VCEP: BA1, PP3. (VCEP specifications version 2; date of approval 2/2/2023)

Labcorp Genetics (formerly Invitae), Labcorp
Classification: Likely benign. Last evaluated: 2026-01-28. Review status: criteria provided, single submitter. Criteria: Invitae Variant Classification Sherloc (09022015). Collection method: clinical testing. Allele origin: germline. Not counted in ClinVar's aggregate classification.

Mayo Clinic Laboratories, Mayo Clinic
Classification: Uncertain significance. Last evaluated: 2025-10-08. Review status: criteria provided, single submitter. Criteria: ACMG Guidelines, 2015. Collection method: clinical testing. Allele origin: germline. Observed: 1 variant allele. Not counted in ClinVar's aggregate classification.
Comment: PP3

Women's Health and Genetics/Laboratory Corporation of America, LabCorp
Classification: Likely benign. Last evaluated: 2025-04-15. Review status: criteria provided, single submitter. Criteria: LabCorp Variant Classification Summary - May 2015. Collection method: clinical testing. Allele origin: germline. Not counted in ClinVar's aggregate classification.
Comment: Variant summary: ITGB3 c.557C>T (p.Pro186Leu) results in a non-conservative amino acid change located in the Integrin beta subunit, VWA domain (IPR002369) of the encoded protein sequence. Four of five in-silico tools predict a damaging effect of the variant on protein function. The variant allele was found at a frequency of 0.00055 in 251444 control chromosomes, predominantly at a frequency of 0.0073 within the African or African-American subpopulation in the gnomAD database. The observed variant frequency within African or African-American control individuals in the gnomAD database exceeds the estimated maximal expected allele frequency for a pathogenic variant in ITGB3 causing Glanzmann Thrombasthenia 2 phenotype. To our knowledge, no occurrence of c.557C>T in individuals affected with Glanzmann Thrombasthenia 2 and no experimental evidence demonstrating its impact on protein function have been reported. ClinVar contains an entry for this variant (Variation ID: 696041). Based on the evidence outlined above, the variant was classified as likely benign.

Blueprint Genetics
Classification: Likely benign. Last evaluated: 2024-10-07. Review status: criteria provided, single submitter. Criteria: ACMG Guidelines, 2015. Collection method: clinical testing. Allele origin: germline. Not counted in ClinVar's aggregate classification.

Genetic Services Laboratory, University of Chicago
Classification: Uncertain significance. Last evaluated: 2021-01-04. Review status: criteria provided, single submitter. Criteria: ACMG Guidelines, 2015. Collection method: clinical testing. Allele origin: germline. Affected: no. Not counted in ClinVar's aggregate classification.
Comment: DNA sequence analysis of the ITGB3 gene demonstrated a sequence change, c.557C>T, in exon 4 that results in an amino acid change, p.Pro186Leu. This sequence change does not appear to have been previously described in individuals with ITGB3-related disorders and has been described in the gnomAD database with a relatively high frequency of 0.71% in the African sub-population (dbSNP rs61736876). The p.Pro186Leu change affects a highly conserved amino acid residue located in a domain of the ITGB3 protein that is known to be functional. The p.Pro186Leu substitution appears to be deleterious using several in-silico pathogenicity prediction tools (SIFT, PolyPhen2, Align GVGD, REVEL). Due to these contrasting evidences and the lack of functional studies, the clinical significance of the p.Pro186Leu change remains unknown at this time.

PreventionGenetics, part of Exact Sciences
Classification: Likely benign for ITGB3-related condition. Last evaluated: 2019-09-13. Review status: no assertion criteria provided. Collection method: clinical testing. Allele origin: germline. Not counted in ClinVar's aggregate classification.
Comment: This variant is classified as likely benign based on ACMG/AMP sequence variant interpretation guidelines (Richards et al. 2015 PMID: 25741868, with internal and published modifications).